The following is an entry in ClinVar:

ClinVar aggregate classification (germline): Uncertain significance. Review status: criteria provided, multiple submitters, no conflicts (2 of 4 stars). 3 submissions from 3 submitters: Uncertain significance (3). Last evaluated 2025-09-29.

Conditions:
RASopathy. Also called: Noonan spectrum disorder; rasopathies. Identifiers: Orphanet 536391, MedGen C5555857, MONDO:0021060.

Allele frequency attached by ClinVar (database versions not stated): ExAC 0.00001; gnomAD exomes 0.00001.

Submissions (3):

Women's Health and Genetics/Laboratory Corporation of America, LabCorp
Classification: Uncertain significance. Last evaluated: 2025-09-29. Review status: criteria provided, single submitter. Criteria: LabCorp Variant Classification Summary - May 2015. Collection method: clinical testing. Allele origin: germline.
Comment: Variant summary: BRAF c.2156G>A (p.Arg719His) results in a non-conservative amino acid change in the encoded protein sequence. Algorithms developed to predict the effect of missense changes on protein structure and function are either unavailable or do not agree on the potential impact of this missense change. The variant allele was found at a frequency of 8e-06 in 251028 control chromosomes. The available data on variant occurrences in the general population are insufficient to allow any conclusion about variant significance. To our knowledge, no occurrence of c.2156G>A in individuals affected with BRAF-related conditions and no experimental evidence demonstrating its impact on protein function have been reported. ClinVar contains an entry for this variant (Variation ID: 1054243). Based on the evidence outlined above, the variant was classified as uncertain significance.

Labcorp Genetics (formerly Invitae), Labcorp
Classification: Uncertain significance for RASopathy. Last evaluated: 2024-10-12. Review status: criteria provided, single submitter. Criteria: Invitae Variant Classification Sherloc (09022015). Collection method: clinical testing. Allele origin: germline.
Comment: This sequence change replaces arginine, which is basic and polar, with histidine, which is basic and polar, at codon 719 of the BRAF protein (p.Arg719His). The frequency data for this variant in the population databases is considered unreliable, as metrics indicate poor data quality at this position in the gnomAD database. This variant has not been reported in the literature in individuals affected with BRAF-related conditions. ClinVar contains an entry for this variant (Variation ID: 1054243). Invitae Evidence Modeling of protein sequence and biophysical properties (such as structural, functional, and spatial information, amino acid conservation, physicochemical variation, residue mobility, and thermodynamic stability) has been performed for this missense variant. However, the output from this modeling did not meet the statistical confidence thresholds required to predict the impact of this variant on BRAF protein function. In summary, the available evidence is currently insufficient to determine the role of this variant in disease. Therefore, it has been classified as a Variant of Uncertain Significance.

GeneDx
Classification: Uncertain significance. Last evaluated: 2022-12-14. Review status: criteria provided, single submitter. Criteria: GeneDx Variant Classification Process June 2021. Collection method: clinical testing. Allele origin: germline. Affected: yes.
Comment: Missense variants in this gene are often considered pathogenic (HGMD); In silico analysis supports that this missense variant does not alter protein structure/function; Has not been previously published as pathogenic or benign to our knowledge

NM_004333.6(BRAF):c.2156G>A (p.Arg719His)

Gene: BRAF (B-Raf proto-oncogene, serine/threonine kinase; minus strand). Cytogenetic location: 7q34.
Variant type: single nucleotide variant.
Coding change: c.2156G>A on transcript NM_004333.6 (MANE Select); coding-DNA position 2156, G replaced by A.
Protein change: p.Arg719His; replaces arginine 719 with histidine.
Molecular consequence: missense variant. On other transcripts: intron variant (2).
Genome position (GRCh38, 1-based): chr7:140,734,742, C>T on the plus strand (G>A on the coding strand, the complement: BRAF is on the minus strand). VCF-style: chr7-140734742-C-T. GRCh37 (hg19) VCF-style: chr7-140434542-C-T.
Other names: c.2156G>A, p.Arg719His (NM_001354609.2); c.2276G>A, p.Arg759His (NM_001374244.1, NM_001374258.1); c.2165G>A, p.Arg722His (NM_001378467.1); c.2090G>A, p.Arg697His (NM_001378469.1); c.2054G>A, p.Arg685His (NM_001378470.1); c.2045G>A, p.Arg682His (NM_001378471.1); c.2000G>A, p.Arg667His (NM_001378472.1, NM_001378473.1); c.1892G>A, p.Arg631His (NM_001378475.1); and 2 more; short protein forms R631H, R667H, R682H, R685H, R697H, R719H, R722H, R759H.
Identifiers: ClinVar variation 1054243 (VCV001054243.10), dbSNP rs368528867, ClinGen allele CA4516526.
Genomic context (GRCh38, chr7:140,734,742, plus strand): 5'-TGGAAACCAGCCCGATTCAAGGAGGGTTCTGATGCACTGCGGTGAATTTTTGGCAATGAG[C>T]GGGCCAGCAGCTCAATAGAGGCGAGAATCTACAAAAAAAAAAAGAAAAAAAAAAGAAAAA-3'
Protein context (NP_004324.2, residues 709-729): QILASIELLA[Arg719His]SLPKIHRSAS